The following continues an entry in ClinVar:

NM_007294.4(BRCA1):c.4535G>T (p.Ser1512Ile)

Gene: BRCA1. ClinVar aggregate classification (germline): Benign. Benign (1).

Submissions 20 to 43 of 43:

PreventionGenetics, part of Exact Sciences
Classification: Benign. Last evaluated: 2016-11-07. Review status: criteria provided, single submitter. Criteria: ACMG Guidelines, 2015. Collection method: clinical testing. Allele origin: germline. Not counted in ClinVar's aggregate classification.

Clinical Genetics DNA and cytogenetics Diagnostics Lab, Erasmus MC, Erasmus Medical Center
Classification: Benign for Breast-ovarian cancer, familial, susceptibility to, 1. Last evaluated: 2015-09-21. Review status: criteria provided, single submitter. Criteria: ACGS Guidelines, 2013. Collection method: clinical testing. Allele origin: germline. Affected: yes. Study: VKGL Data-share Consensus. Not counted in ClinVar's aggregate classification.

Color Diagnostics, LLC DBA Color Health
Classification: Likely benign for Hereditary cancer-predisposing syndrome. Last evaluated: 2014-11-11. Review status: criteria provided, single submitter. Criteria: ACMG Guidelines, 2015. Collection method: clinical testing. Allele origin: germline. Not counted in ClinVar's aggregate classification.

Molecular Genetics Laboratory, University of Michigan
Classification: Benign for Breast-ovarian cancer, familial, susceptibility to, 1. Last evaluated: 2014-11-03. Review status: criteria provided, single submitter. Criteria: ACMG Guidelines, 2015. Collection method: clinical testing. Allele origin: germline. Affected: yes. Not counted in ClinVar's aggregate classification.

Genome Diagnostics Laboratory, University Medical Center Utrecht
Classification: Benign for Breast-ovarian cancer, familial, susceptibility to, 1. Last evaluated: 2014-10-09. Review status: criteria provided, single submitter. Criteria: ACGS Guidelines, 2013. Collection method: clinical testing. Allele origin: germline. Affected: yes. Study: VKGL Data-share Consensus. Not counted in ClinVar's aggregate classification.

Ambry Genetics
Classification: Benign for Hereditary cancer-predisposing syndrome. Last evaluated: 2014-07-21. Review status: criteria provided, single submitter. Criteria: Ambry Variant Classification Scheme 2023. Collection method: clinical testing. Allele origin: germline. Not counted in ClinVar's aggregate classification.

Eurofins Ntd Llc (ga)
Classification: Benign. Last evaluated: 2014-07-10. Review status: criteria provided, single submitter. Criteria: EGL Classification Definitions 2015. Collection method: clinical testing. Allele origin: germline. Observed: 4 variant alleles, 4 heterozygotes. Not counted in ClinVar's aggregate classification.

Women's Health and Genetics/Laboratory Corporation of America, LabCorp
Classification: Benign for Hereditary breast ovarian cancer syndrome. Last evaluated: 2014-01-24. Review status: criteria provided, single submitter. Criteria: LabCorp Variant Classification Summary - May 2015. Collection method: clinical testing. Allele origin: germline. Not counted in ClinVar's aggregate classification.

Breakthrough Genomics
Classification: Benign. Review status: criteria provided, single submitter. Criteria: ACMG Guidelines, 2015. Collection method: not provided. Allele origin: germline. Inheritance: Autosomal recessive inheritance. Affected: yes. Not counted in ClinVar's aggregate classification.

Institute for Biomarker Research, Medical Diagnostic Laboratories, L.L.C.
Classification: Benign for Hereditary breast ovarian cancer syndrome. Last evaluated: 2021-09-27. Review status: no assertion criteria provided. Collection method: clinical testing. Allele origin: germline. Not counted in ClinVar's aggregate classification.

True Health Diagnostics
Classification: Likely benign for Hereditary cancer-predisposing syndrome. Last evaluated: 2018-04-25. Review status: no assertion criteria provided. Collection method: clinical testing. Allele origin: germline. Not counted in ClinVar's aggregate classification.

Mayo Clinic Laboratories, Mayo Clinic
Classification: Benign. Last evaluated: 2016-12-06. Review status: no assertion criteria provided. Collection method: clinical testing. Allele origin: unknown. Not counted in ClinVar's aggregate classification.

Pathway Genomics
Classification: Likely benign for hereditary breast and ovarian cancer, BROVCA1. Last evaluated: 2014-07-24. Review status: no assertion criteria provided. Collection method: literature only. Allele origin: germline. Not counted in ClinVar's aggregate classification.

Counsyl
Classification: Benign for Breast-ovarian cancer, familial 1. Last evaluated: 2014-03-19. Review status: no assertion criteria provided. Collection method: literature only. Allele origin: unknown. Inheritance: Autosomal dominant inheritance. Not counted in ClinVar's aggregate classification.

Research Molecular Genetics Laboratory, Women's College Hospital, University of Toronto
Classification: Benign. Last evaluated: 2014-01-31. Review status: no assertion criteria provided. Collection method: research. Allele origin: germline. Affected: yes. Study: The Canadian Open Genetics Repository (COGR). Not counted in ClinVar's aggregate classification.

ITMI
No classification provided. Condition: AllHighlyPenetrant. Last evaluated: 2013-09-19. Review status: no classification provided. Collection method: reference population. Allele origin: germline. Not counted in ClinVar's aggregate classification.
Comment: Please see associated publication for description of ethnicities

Biesecker Lab/Clinical Genomics Section, National Institutes of Health
Classification: Benign. Last evaluated: 2012-07-13. Review status: no assertion criteria provided. Collection method: research. Allele origin: germline. Affected: no. Observed: 6 variant alleles. Study: ClinSeq. Not counted in ClinVar's aggregate classification.
ClinVar note: Converted during submission from no known pathogenicity to Benign.

Sharing Clinical Reports Project (SCRP)
Classification: Benign for Breast-ovarian cancer, familial 1. Last evaluated: 2011-03-08. Review status: no assertion criteria provided. Collection method: clinical testing. Allele origin: germline. Not counted in ClinVar's aggregate classification.

Breast Cancer Information Core (BIC) (BRCA1)
Classification: Benign for Breast-ovarian cancer, familial 1. Last evaluated: 1999-06-21. Review status: no assertion criteria provided. Collection method: clinical testing. Allele origin: germline, unknown. Affected: yes. Observed: 60 variant alleles. Not counted in ClinVar's aggregate classification.

Clinical Genetics Laboratory, Department of Pathology, Netherlands Cancer Institute
Classification: Benign. Review status: no assertion criteria provided. Collection method: clinical testing. Allele origin: germline. Affected: yes. Study: VKGL Data-share Consensus. Not counted in ClinVar's aggregate classification.

Department of Pathology and Laboratory Medicine, Sinai Health System
Classification: Benign. Review status: no assertion criteria provided. Collection method: clinical testing. Allele origin: unknown. Affected: yes. Study: The Canadian Open Genetics Repository (COGR). Not counted in ClinVar's aggregate classification.
Comment: The BRCA1, c.4535G>T, p.Ser1512Ile variant has been reported in the literature in 6/2156 proband chromosomes of individuals with HBOC and sporadic breast/ ovarian cancer. It was also identified in 6/1360 of the control chromosomes evaluated (Al-Mulla_2008, Bergthorsson_2001, Young_2009, Wagner_1998, Tavtigian_2006, Phelan_2005, Sanz_2010). The variant has also been previously identified in our laboratory in 6 individuals, and was classified as benign. The variant is reported in the BIC (x58), Exome Server and BOCs databases. It is also listed in the dbSNP database as coming from a "clinical source" (ID#: rs1800744) with a MAF score of 0.001 (1000 Genomes), increasing the likelihood that this is a low frequency benign variant. The residue is not conserved in mammals, and computational analyses (PolyPhen, SIFT, AlignGVGD) provide inconsistent predictions regarding the impact to the protein. However, this information is not very predictive of pathogenicity. Functional studies examining the effect of the variant on transcriptional activation found that the variant levels were equal to or higher than that of wild type BRCA1, suggesting that it does not represent a high risk variant & is likely to have low clinical significance (Phelan_2005). Studies have also reported that p.Ser1512Ile has been found to co-occur with other known BRCA1 pathogenic variants numerous times, increasing the likelihood that this variant does not have clinical significance (Bergthorsson_2001, Tavtigian_2006, Phelan_2005). In summary, based on the above information, this variant is classified as Benign.

Diagnostic Laboratory, Department of Genetics, University Medical Center Groningen
Classification: Benign for Breast-ovarian cancer, familial, susceptibility to, 1. Review status: no assertion criteria provided. Collection method: clinical testing. Allele origin: germline. Affected: yes. Study: VKGL Data-share Consensus. Not counted in ClinVar's aggregate classification.

Joint Genome Diagnostic Labs from Nijmegen and Maastricht, Radboudumc and MUMC+
Classification: Benign. Review status: no assertion criteria provided. Collection method: clinical testing. Allele origin: germline. Affected: yes. Study: VKGL Data-share Consensus. Not counted in ClinVar's aggregate classification.

Laboratory of Diagnostic Genome Analysis, Leiden University Medical Center (LUMC)
Classification: Benign. Review status: no assertion criteria provided. Collection method: clinical testing. Allele origin: germline. Affected: yes. Study: VKGL Data-share Consensus. Not counted in ClinVar's aggregate classification.

Literature cited by the submitters: PubMed 21990134 (cited by 3 submitters); DOI 10.3389/fgene.2022.834265 (cited by National Health Laboratory Service, Universitas Academic Hospital and University of the Free State); PubMed 36329109 (cited by Genetics Program, Instituto Nacional de Cancer); PubMed 9150149 (cited by Quest Diagnostics Nichols Institute San Juan Capistrano); PubMed 9391879 (cited by Quest Diagnostics Nichols Institute San Juan Capistrano); PubMed 18680205 (cited by 3 submitters); PubMed 15235020 (cited by 3 submitters); PubMed 15689452 (cited by 4 submitters); PubMed 11389159 (cited by Quest Diagnostics Nichols Institute San Juan Capistrano and Counsyl); PubMed 16014699 (cited by 4 submitters); PubMed 9523200 (cited by Quest Diagnostics Nichols Institute San Juan Capistrano and Counsyl); PubMed 17279547 (cited by Quest Diagnostics Nichols Institute San Juan Capistrano and Counsyl); PubMed 12215251 (cited by 4 submitters); PubMed 8807330 (cited by Illumina Laboratory Services, Illumina and Counsyl); PubMed 16267036 (cited by Women's Health and Genetics/Laboratory Corporation of America, LabCorp); PubMed 20104584 (cited by Women's Health and Genetics/Laboratory Corporation of America, LabCorp); PubMed 21702907 (cited by Women's Health and Genetics/Laboratory Corporation of America, LabCorp and Counsyl); PubMed 12845657 (cited by Women's Health and Genetics/Laboratory Corporation of America, LabCorp); PubMed 11149413 (cited by Women's Health and Genetics/Laboratory Corporation of America, LabCorp); PubMed 11979449 (cited by Women's Health and Genetics/Laboratory Corporation of America, LabCorp); PubMed 12402332 (cited by Women's Health and Genetics/Laboratory Corporation of America, LabCorp); PubMed 12955716 (cited by Pathway Genomics and Counsyl); PubMed 21447777 (cited by Counsyl); PubMed 21520273 (cited by Counsyl); PubMed 24728327 (cited by ITMI).